The following is an entry in ClinVar:

NM_002637.4(PHKA1):c.711C>G (p.His237Gln)

Gene: PHKA1 (phosphorylase kinase regulatory subunit alpha 1; minus strand). Cytogenetic location: Xq13.1.
Variant type: single nucleotide variant.
Coding change: c.711C>G on transcript NM_002637.4 (MANE Select); coding-DNA position 711, C replaced by G.
Protein change: p.His237Gln; replaces histidine 237 with glutamine.
Molecular consequence: missense variant.
Genome position (GRCh38, 1-based): chrX:72,667,381, G>C on the plus strand (C>G on the coding strand, the complement: PHKA1 is on the minus strand). VCF-style: chrX-72667381-G-C. GRCh37 (hg19) VCF-style: chrX-71887231-G-C.
Other names: c.711C>G, p.His237Gln (NM_001122670.2, NM_001172436.2); short protein forms H237Q.
Identifiers: ClinVar variation 2881961 (VCV002881961.3), dbSNP rs782168291, ClinGen allele CA331072338.

ClinVar aggregate classification (germline): Uncertain significance (1 of 4 stars; one submission).

Conditions:
Glycogen storage disease IXd (GSD9D). Also called: Muscle Phosphorylase Kinase Deficiency; GSD IXd. Identifiers: Orphanet 715, MedGen C1845151, MONDO:0010362, OMIM 300559.

gnomAD v4.1: 26 of 1,196,437 alleles (0.0022%); highest among the groups gnomAD compares: Non-Finnish European, 0.0028%; no homozygotes.

Submission:

Labcorp Genetics (formerly Invitae), Labcorp
Classification: Uncertain significance for Glycogen storage disease IXd. Last evaluated: 2023-08-02. Review status: criteria provided, single submitter. Criteria: Invitae Variant Classification Sherloc (09022015). Collection method: clinical testing. Allele origin: germline.
Comment: In summary, the available evidence is currently insufficient to determine the role of this variant in disease. Therefore, it has been classified as a Variant of Uncertain Significance. This sequence change replaces histidine, which is basic and polar, with glutamine, which is neutral and polar, at codon 237 of the PHKA1 protein (p.His237Gln). This variant is not present in population databases (gnomAD no frequency). This variant has not been reported in the literature in individuals affected with PHKA1-related conditions. Advanced modeling of protein sequence and biophysical properties (such as structural, functional, and spatial information, amino acid conservation, physicochemical variation, residue mobility, and thermodynamic stability) performed at Invitae indicates that this missense variant is not expected to disrupt PHKA1 protein function.